The following is an entry in ClinVar:

ClinVar aggregate classification (germline): Likely pathogenic. Review status: criteria provided, multiple submitters, no conflicts (2 of 4 stars). 2 submissions from 2 submitters: Likely pathogenic (2). Last evaluated 2024-05-01.

Conditions:
Lamellar ichthyosis. Identifiers: Orphanet 313, MedGen C5848247, MONDO:0017778.
Autosomal recessive congenital ichthyosis 10 (ARCI10). Identifiers: Orphanet 79394, MedGen C3554355, MONDO:0014011, OMIM 615024.

gnomAD v4.1: 5 of 1,551,374 alleles (0.00032%); highest among the groups gnomAD compares: African/African-American, 0.0027%; no homozygotes.

Submissions (2):

Women's Health and Genetics/Laboratory Corporation of America, LabCorp
Classification: Likely pathogenic for Lamellar ichthyosis. Last evaluated: 2024-05-01. Review status: criteria provided, single submitter. Criteria: LabCorp Variant Classification Summary - May 2015. Collection method: clinical testing. Allele origin: germline.
Comment: Variant summary: PNPLA1 c.158C>T (p.Ser53Leu) results in a non-conservative amino acid change located in the Patatin-like phospholipase domain (IPR002641) of the encoded protein sequence. Five of five in-silico tools predict a damaging effect of the variant on protein function. The variant allele was found at a frequency of 3.2e-06 in 1551374 control chromosomes. c.158C>T has been reported in the literature in individuals affected with Lamellar Ichthyosis (examples: Hake_2022, Zimmer_2017). A different variant affecting the same codon has been classified as pathogenic (c.158C>G, p.Ser53Trp) (ClinVar Variation ID: 684647), supporting the critical relevance of codon 53 to PNPLA1 protein function.These data indicate that the variant may be associated with disease. At least one publication reports experimental evidence evaluating an impact on protein function (Nohara_2022). The most pronounced variant effect results in mislocalization of the protein in transfected HeLa cells. The following publications have been ascertained in the context of this evaluation (PMID: 34908195, 35970721, 28093717). No submitters have cited clinical-significance assessments for this variant to ClinVar. Based on the evidence outlined above, the variant was classified as likely pathogenic.

Fulgent Genetics
Classification: Likely pathogenic for Autosomal recessive congenital ichthyosis 10. Last evaluated: 2024-04-30. Review status: criteria provided, single submitter. Criteria: ACMG Guidelines, 2015. Collection method: clinical testing. Allele origin: germline.

Literature cited by the submitters: PubMed 34908195 (cited by Women's Health and Genetics/Laboratory Corporation of America, LabCorp); PubMed 28093717 (cited by Women's Health and Genetics/Laboratory Corporation of America, LabCorp); PubMed 35970721 (cited by Women's Health and Genetics/Laboratory Corporation of America, LabCorp).

NM_001374623.1(PNPLA1):c.158C>T (p.Ser53Leu)

Gene: PNPLA1 (patatin like domain 1, omega-hydroxyceramide transacylase; plus strand). Cytogenetic location: 6p21.31.
Variant type: single nucleotide variant.
Coding change: c.158C>T on transcript NM_001374623.1 (MANE Select); coding-DNA position 158, C replaced by T.
Protein change: p.Ser53Leu; replaces serine 53 with leucine.
Molecular consequence: missense variant. On other transcripts: intron variant (2).
Genome position (GRCh38, 1-based): chr6:36,270,617, C>T. VCF-style: chr6-36270617-C-T. GRCh37 (hg19) VCF-style: chr6-36238394-C-T.
Other names: c.158C>T, p.Ser53Leu (NM_001145717.1); c.-80-20703C>T (NM_001145716.2, NM_173676.2); short protein forms S53L.
Identifiers: ClinVar variation 3336275 (VCV003336275.2).
Genomic context (GRCh38, chr6:36,270,617, plus strand): 5'-ACGCCCTGCGGGACCTGGCCCCCCGGATGCTGGAAACAGCCCACCGCTTTGCGGGGACAT[C>T]GGCAGGTGCTGTGATCGCCGCCCTGGCCATCTGCGGGATTGAAATGGGTGAGGCCTGTGT-3'
Protein context (NP_001361552.1, residues 43-63): LETAHRFAGT[Ser53Leu]AGAVIAALAI